The following is an entry in ClinVar:

ClinVar aggregate classification (germline): Pathogenic. Review status: criteria provided, multiple submitters, no conflicts (2 of 4 stars). 2 submissions from 2 submitters: Pathogenic (2). Last evaluated 2023-05-04.

Conditions:
Autosomal recessive limb-girdle muscular dystrophy type 2A (LGMDR1). Also called: Limb-girdle muscular dystrophy, type 2A; LEYDEN-MOEBIUS MUSCULAR DYSTROPHY; MUSCULAR DYSTROPHY, PELVOFEMORAL; Calpainopathy; Muscular dystrophy, limb-girdle, type 2A, Amish. Identifiers: Orphanet 267, MedGen C1869123, MONDO:0009675, OMIM 253600. Disease mechanism: loss of function.

Allele frequency attached by ClinVar (database versions not stated): gnomAD exomes below 0.00001; TOPMed below 0.00001; gnomAD 0.00001.
gnomAD v4.1: 6 of 1,563,222 alleles (0.00038%); highest among the groups gnomAD compares: Non-Finnish European, 0.00043%; no homozygotes.

Submissions (2):

GeneDx
Classification: Pathogenic. Last evaluated: 2023-05-04. Review status: criteria provided, single submitter. Criteria: GeneDx Variant Classification Process June 2021. Collection method: clinical testing. Allele origin: germline. Affected: yes.
Comment: Nonsense variant predicted to result in protein truncation or nonsense mediated decay in a gene for which loss of function is a known mechanism of disease; Not observed at significant frequency in large population cohorts (gnomAD); This variant is associated with the following publications: (PMID: 10330340, 15689361, 31130284)

Labcorp Genetics (formerly Invitae), Labcorp
Classification: Pathogenic for Autosomal recessive limb-girdle muscular dystrophy type 2A. Last evaluated: 2021-12-02. Review status: criteria provided, single submitter. Criteria: Invitae Variant Classification Sherloc (09022015). Collection method: clinical testing. Allele origin: germline.
Comment: This sequence change creates a premature translational stop signal (p.Gln362*) in the CAPN3 gene. It is expected to result in an absent or disrupted protein product. Loss-of-function variants in CAPN3 are known to be pathogenic (PMID: 10330340, 15689361). For these reasons, this variant has been classified as Pathogenic. This variant is also known as c.940C>T:p.Gln314Ter using transcript NM_173087.1. This premature translational stop signal has been observed in individual(s) with CAPN3-related conditions (PMID: 31130284). This variant is present in population databases (no rsID available, gnomAD 0.007%).

Literature cited by the submitters: PubMed 10330340 (cited by Labcorp Genetics (formerly Invitae), Labcorp); PubMed 15689361 (cited by Labcorp Genetics (formerly Invitae), Labcorp); PubMed 31130284 (cited by Labcorp Genetics (formerly Invitae), Labcorp).

NM_000070.3(CAPN3):c.1084C>T (p.Gln362Ter)

Gene: CAPN3 (calpain 3; plus strand). Cytogenetic location: 15q15.1.
Variant type: single nucleotide variant.
Coding change: c.1084C>T on transcript NM_000070.3 (MANE Select); coding-DNA position 1084, C replaced by T.
Protein change: p.Gln362Ter; replaces glutamine 362 with a stop codon.
Molecular consequence: nonsense.
Genome position (GRCh38, 1-based): chr15:42,394,310, C>T. VCF-style: chr15-42394310-C-T. GRCh37 (hg19) VCF-style: chr15-42686508-C-T.
Other names: c.1084C>T, p.Gln362Ter (NM_024344.2); c.940C>T, p.Gln314Ter (NM_173087.2); c.1084C>T (NM_000070.2); short protein forms Q314*, Q362*.
Identifiers: ClinVar variation 1454159 (VCV001454159.7), dbSNP rs965032792, ClinGen allele CA391999024.
Genomic context (GRCh38, chr15:42,394,310, plus strand): 5'-CTTAAGGTCCCGTTCAAAGGTGAGAAAGTGAAGCTGGTGCGGCTGCGGAATCCGTGGGGC[C>T]AGGTGGAGTGGAACGGTTCTTGGAGTGATAGGTAGGTGAGGGGACCCCACGGGATTGGCG-3'